The following is an entry in ClinVar:

ClinVar aggregate classification (germline): Benign/Likely benign. Review status: criteria provided, multiple submitters, no conflicts (2 of 4 stars). 4 submissions from 4 submitters: Benign (1); Likely benign (3). Last evaluated 2026-02-04.

Conditions:
RPGR-related disorder. Also called: RPGR-related condition.
Primary ciliary dyskinesia. Also called: Ciliary dyskinesia. Identifiers: Orphanet 244, MedGen C0008780, MONDO:0016575, HP:0012265.

Allele frequency attached by ClinVar (database versions not stated): ExAC 0.00012; TOPMed 0.00005; gnomAD exomes 0.00012 and 0.00003; gnomAD 0.00002.
gnomAD v4.1: 35 of 1,208,444 alleles (0.0029%); highest among the groups gnomAD compares: Admixed American, 0.0088%; no homozygotes.

Submissions (4):

Labcorp Genetics (formerly Invitae), Labcorp
Classification: Benign for Primary ciliary dyskinesia. Last evaluated: 2026-02-04. Review status: criteria provided, single submitter. Criteria: Invitae Variant Classification Sherloc (09022015). Collection method: clinical testing. Allele origin: germline.

PreventionGenetics, part of Exact Sciences
Classification: Likely benign for RPGR-related condition. Last evaluated: 2025-10-02. Review status: criteria provided, single submitter. Criteria: ACMG Guidelines, 2015. Collection method: clinical testing. Allele origin: germline.
Comment: This variant is classified as likely benign based on ACMG/AMP sequence variant interpretation guidelines (Richards et al. 2015 PMID: 25741868, with internal and published modifications).

Blueprint Genetics
Classification: Likely benign. Last evaluated: 2024-10-24. Review status: criteria provided, single submitter. Criteria: ACMG Guidelines, 2015. Collection method: clinical testing. Allele origin: germline.

Ambry Genetics
Classification: Likely benign for Primary ciliary dyskinesia. Last evaluated: 2021-03-30. Review status: criteria provided, single submitter. Criteria: Ambry Variant Classification Scheme 2023. Collection method: clinical testing. Allele origin: germline.

NM_000328.3(RPGR):c.1935A>G (p.Leu645=)

Gene: RPGR (retinitis pigmentosa GTPase regulator; minus strand). Cytogenetic location: Xp11.4.
Variant type: single nucleotide variant.
Coding change: c.1935A>G on transcript NM_000328.3; coding-DNA position 1935, A replaced by G.
Protein change: p.Leu645=; no amino-acid change (leucine 645 retained).
Molecular consequence: synonymous variant. On other transcripts: non-coding transcript variant (6).
Genome position (GRCh38, 1-based): chrX:38,276,743, T>C on the plus strand (A>G on the coding strand, the complement: RPGR is on the minus strand). VCF-style: chrX-38276743-T-C. GRCh37 (hg19) VCF-style: chrX-38135996-T-C.
Other names: c.1932A>G, p.Leu644= (NM_001367245.1); c.1749A>G, p.Leu583= (NM_001367246.1); c.1602A>G, p.Leu534= (NM_001367247.1); c.1632A>G, p.Leu544= (NM_001367248.1); c.1599A>G, p.Leu533= (NM_001367249.1, NM_001367250.1); c.1416A>G, p.Leu472= (NM_001367251.1).
Identifiers: ClinVar variation 454514 (VCV000454514.13), dbSNP rs781266050, ClinGen allele CA10385119.